The following is an entry in ClinVar:

NM_194456.1(KRIT1):c.-741C>T

Genes: ANKIB1 (ankyrin repeat and IBR domain containing 1; plus strand), KRIT1 (KRIT1 ankyrin repeat containing; minus strand), LOC113748416 (Sharpr-MPRA regulatory region 5961; plus strand). Cytogenetic location: 7q21.2.
Variant type: single nucleotide variant.
Coding change: c.-741C>T on transcript NM_194456.1; 741 bases upstream of the start codon, C replaced by T.
Molecular consequence: 5 prime UTR variant.
Genome position (GRCh38, 1-based): chr7:92,246,057, G>A on the plus strand (C>T on the coding strand, the complement: KRIT1 is on the minus strand). VCF-style: chr7-92246057-G-A. GRCh37 (hg19) VCF-style: chr7-91875371-G-A.
Other names: c.-482C>T (NM_001350694.1); c.-633C>T (NM_001350695.1); c.-418C>T (NM_001350696.1); c.-799C>T (NM_001350697.1); c.-1051C>T (NM_004912.4); c.-976C>T (NM_194455.1); c.-553G>A (NM_019004.2); c.-540C>T (NM_001013406.2, NM_001350690.1); and 24 more.
Identifiers: ClinVar variation 360908 (VCV000360908.8), dbSNP rs58075588, ClinGen allele CA10626552.
Genomic context (GRCh38, chr7:92,246,057, plus strand): 5'-GTTCCTGCTCCTTTTCACTGGACCTGCAGTCTCTCAGGGGCTGGTGGCAGGCGACTAGGA[G>A]ACTAGGGTGGTGGCGGTGGGGGTGCCAGCGGCTGAGCCGGAGCCGGAGCCGGAGGCGGGG-3'

ClinVar aggregate classification (germline): Benign. Review status: criteria provided, multiple submitters, no conflicts (2 of 4 stars). 3 submissions from 2 submitters: Benign (3). Last evaluated 2018-01-13.

Conditions:
Angiokeratoma corporis diffusum with arteriovenous fistulas. Identifiers: MedGen C1838141, MONDO:0010885, OMIM 600419.
Cerebral cavernous malformation (CCM). Also called: Cerebral cavernous hemangioma (type); Cerebral cavernous malformations; CAVERNOUS ANGIOMA, FAMILIAL; CAVERNOUS ANGIOMATOUS MALFORMATIONS; CEREBRAL CAPILLARY MALFORMATIONS; Cavernous Hemangioma of Brain. Identifiers: Orphanet 221061, MedGen C2919945, MONDO:0000820, OMIM 116860, HP:0033522.

Allele frequency attached by ClinVar (database versions not stated): gnomAD 0.02902 and 0.03112; TOPMed 0.03210; 1000 Genomes Project 30x 0.04185; 1000 Genomes Project 0.03654; gnomAD exomes 0.00059.
gnomAD v4.1: 4,469 of 279,536 alleles (1.6%); highest among the groups gnomAD compares: African/African-American, 10%; 206 homozygotes.

Submissions (3):

Illumina Laboratory Services, Illumina
Classification: Benign for Cerebral cavernous malformation. Last evaluated: 2018-01-13. Review status: criteria provided, single submitter. Criteria: ICSL Variant Classification Criteria 13 December 2019. Collection method: clinical testing. Allele origin: germline.
Comment: This variant was observed in the ICSL laboratory as part of a predisposition screen in an ostensibly healthy population. It had not been previously curated by ICSL or reported in the Human Gene Mutation Database (HGMD: prior to June 1st, 2018), and was therefore a candidate for classification through an automated scoring system. Utilizing variant allele frequency, disease prevalence and penetrance estimates, and inheritance mode, an automated score was calculated to assess if this variant is too frequent to cause the disease. Based on the score and internal cut-off values, a variant classified as benign is not then subjected to further curation. The score for this variant resulted in a classification of benign for this disease.

Illumina Laboratory Services, Illumina
Classification: Benign for Angiokeratoma corporis diffusum with arteriovenous fistulas. Last evaluated: 2018-01-13. Review status: criteria provided, single submitter. Criteria: ICSL Variant Classification Criteria 13 December 2019. Collection method: clinical testing. Allele origin: germline.
Comment: the same text as in the submission from Illumina Laboratory Services, Illumina above.

Breakthrough Genomics
Classification: Benign. Review status: criteria provided, single submitter. Criteria: ACMG Guidelines, 2015. Collection method: not provided. Allele origin: germline. Inheritance: Unknown mechanism. Affected: yes.